The following is an entry in ClinVar:

ClinVar aggregate classification (germline): Benign (0 of 4 stars; one submission).

Conditions:
SLC25A5-related disorder. Also called: SLC25A5-related condition.

Allele frequency attached by ClinVar (database versions not stated): 1000 Genomes Project 30x 0.34089.

Submission:

PreventionGenetics, part of Exact Sciences
Classification: Benign for SLC25A5-related condition. Last evaluated: 2019-10-21. Review status: no assertion criteria provided. Collection method: clinical testing. Allele origin: germline.
Comment: This variant is classified as benign based on ACMG/AMP sequence variant interpretation guidelines (Richards et al. 2015 PMID: 25741868, with internal and published modifications).

NM_001152.5(SLC25A5):c.888G>C (p.Lys296Asn)

Gene: SLC25A5 (solute carrier family 25 member 5; plus strand). Cytogenetic location: Xq24.
Variant type: single nucleotide variant.
Coding change: c.888G>C on transcript NM_001152.5 (MANE Select); coding-DNA position 888, G replaced by C.
Protein change: p.Lys296Asn; replaces lysine 296 with asparagine.
Molecular consequence: missense variant.
Genome position (GRCh38, 1-based): chrX:119,471,049, G>C. VCF-style: chrX-119471049-G-C. GRCh37 (hg19) VCF-style: chrX-118605012-G-C.
Other names: short protein forms K296N.
Identifiers: ClinVar variation 3058993 (VCV003058993.2), dbSNP rs80323990, ClinGen allele CA249210.
Genomic context (GRCh38, chrX:119,471,049, plus strand): 5'-CAATGTTCTCAGAGGCATGGGTGGTGCTTTTGTGCTTGTCTTGTATGATGAAATCAAGAA[G>C]TACACATAAGTTATTTCCTAGGATTTTTCCCCCTGTGAACAGGCATGTTGTATTATATAA-3'
Protein context (NP_001143.2, residues 286-298): FVLVLYDEIK[Lys296Asn]YT